The following is an entry in ClinVar:

ClinVar aggregate classification (germline): Likely benign (0 of 4 stars; one submission).

Conditions:
BCAT1-related disorder. Also called: BCAT1-related condition.

Allele frequency attached by ClinVar (database versions not stated): TOPMed 0.00002; gnomAD 0.00011; gnomAD exomes 0.00017; ExAC 0.00063; 1000 Genomes Project 30x 0.00078; 1000 Genomes Project 0.00080.
gnomAD v4.1: 282 of 1,610,282 alleles (0.018%); highest among the groups gnomAD compares: South Asian, 0.28%; 2 homozygotes.

Submission:

PreventionGenetics, part of Exact Sciences
Classification: Likely benign for BCAT1-related condition. Last evaluated: 2019-04-08. Review status: no assertion criteria provided. Collection method: clinical testing. Allele origin: germline.
Comment: This variant is classified as likely benign based on ACMG/AMP sequence variant interpretation guidelines (Richards et al. 2015 PMID: 25741868, with internal and published modifications).

NM_005504.7(BCAT1):c.1032G>A (p.Leu344=)

Genes: BCAT1 (branched chain amino acid transaminase 1; minus strand), BCAT1-AS1 (BCAT1 antisense RNA 1; plus strand). Cytogenetic location: 12p12.1.
Variant type: single nucleotide variant.
Coding change: c.1032G>A on transcript NM_005504.7 (MANE Select); coding-DNA position 1032, G replaced by A.
Protein change: p.Leu344=; no amino-acid change (leucine 344 retained).
Molecular consequence: synonymous variant. On other transcripts: non-coding transcript variant (5), intron variant (3).
Genome position (GRCh38, 1-based): chr12:24,832,735, C>T on the plus strand (G>A on the coding strand, the complement: BCAT1 is on the minus strand). VCF-style: chr12-24832735-C-T. GRCh37 (hg19) VCF-style: chr12-24985669-C-T.
Other names: c.921G>A, p.Leu307= (NM_001178091.2); c.849G>A, p.Leu283= (NM_001178092.2); c.1068G>A, p.Leu356= (NM_001178093.2, NM_001413086.1); c.1029G>A, p.Leu343= (NM_001178094.2); c.1104G>A, p.Leu368= (NM_001413087.1); c.1095G>A, p.Leu365= (NM_001413088.1); c.1077G>A, p.Leu359= (NM_001413089.1); c.1065G>A, p.Leu355= (NM_001413090.1); and 14 more.
Identifiers: ClinVar variation 3047543 (VCV003047543.2), dbSNP rs568168618, ClinGen allele CA6484769.